The following is an entry in ClinVar:

ClinVar aggregate classification (germline): Benign/Likely benign. Review status: criteria provided, multiple submitters, no conflicts (2 of 4 stars). 3 submissions from 3 submitters: Benign (2); Likely benign (1). Last evaluated 2026-02-03.

Conditions:
Episodic kinesigenic dyskinesia (EKD). Also called: Paroxysmal kinesigenic dyskinesia. Identifiers: Orphanet 98809, MedGen C1868682, MONDO:0044202.

Allele frequency attached by ClinVar (database versions not stated): gnomAD exomes 0.00075; ExAC 0.00081; 1000 Genomes Project 0.00300; gnomAD 0.00305 and 0.00326; ESP Exome Variant Server 0.00316; 1000 Genomes Project 30x 0.00359; TOPMed 0.00360.
gnomAD v4.1: 867 of 1,582,202 alleles (0.055%); highest among the groups gnomAD compares: African/African-American, 1%; 5 homozygotes.

Submissions (3):

Labcorp Genetics (formerly Invitae), Labcorp
Classification: Benign for Episodic kinesigenic dyskinesia. Last evaluated: 2026-02-03. Review status: criteria provided, single submitter. Criteria: Invitae Variant Classification Sherloc (09022015). Collection method: clinical testing. Allele origin: germline.

Blueprint Genetics
Classification: Likely benign. Last evaluated: 2024-11-04. Review status: criteria provided, single submitter. Criteria: ACMG Guidelines, 2015. Collection method: clinical testing. Allele origin: germline.

GeneDx
Classification: Benign. Last evaluated: 2014-06-06. Review status: criteria provided, single submitter. Criteria: GeneDx Variant Classification (06012015). Collection method: clinical testing. Allele origin: germline. Affected: yes.
Comment: This variant is considered likely benign or benign based on one or more of the following criteria: it is a conservative change, it occurs at a poorly conserved position in the protein, it is predicted to be benign by multiple in silico algorithms, and/or has population frequency not consistent with disease.

NM_145239.3(PRRT2):c.880-14C>T

Genes: MVP-DT (MVP divergent transcript; minus strand), PRRT2 (proline rich transmembrane protein 2; plus strand). Cytogenetic location: 16p11.2.
Variant type: single nucleotide variant.
Coding change: c.880-14C>T on transcript NM_145239.3 (MANE Select); 14 bases into the intron before coding-DNA position 880, C replaced by T.
Molecular consequence: intron variant. On other transcripts: 3 prime UTR variant (1).
Genome position (GRCh38, 1-based): chr16:29,814,319, C>T. VCF-style: chr16-29814319-C-T. GRCh37 (hg19) VCF-style: chr16-29825640-C-T.
Other names: c.*365C>T (NM_001256443.2); c.880-14C>T (NM_001256442.2).
Identifiers: ClinVar variation 138816 (VCV000138816.10), dbSNP rs148323840, ClinGen allele CA292922.
Genomic context (GRCh38, chr16:29,814,319, plus strand): 5'-TTTCCACCTGATCCCTTCTGGGCTGGCTTCTCCTGACCCCGGCTATGTGCCTCCACCCCT[C>T]GCCCTAACCCCAGTCCCGGAACAGCCTGCAGCAGGGGGACGTGGACGGGGCCCAGCGTCT-3'